The following is an entry in ClinVar:

NM_006949.4(STXBP2):c.355G>C (p.Gly119Arg)

Gene: STXBP2 (syntaxin binding protein 2; plus strand). Cytogenetic location: 19p13.2.
Variant type: single nucleotide variant.
Coding change: c.355G>C on transcript NM_006949.4 (MANE Select); coding-DNA position 355, G replaced by C.
Protein change: p.Gly119Arg; replaces glycine 119 with arginine.
Molecular consequence: missense variant. On other transcripts: non-coding transcript variant (1).
Genome position (GRCh38, 1-based): chr19:7,640,929, G>C. VCF-style: chr19-7640929-G-C. GRCh37 (hg19) VCF-style: chr19-7705815-G-C.
Other names: c.346G>C, p.Gly116Arg (NM_001127396.3); c.388G>C, p.Gly130Arg (NM_001272034.2); short protein forms G116R, G130R, G119R.
Identifiers: ClinVar variation 1384839 (VCV001384839.5), dbSNP rs1250649701, ClinGen allele CA403157629.

ClinVar aggregate classification (germline): Uncertain significance (1 of 4 stars; one submission).

Conditions:
Familial hemophagocytic lymphohistiocytosis 5. Also called: STXBP2-Related Familial Hemophagocytic Lymphohistiocytosis (STXBP2-fHLH). Identifiers: Orphanet 540, MedGen C2751293, MONDO:0013135, OMIM 613101.

Allele frequency attached by ClinVar (database versions not stated): gnomAD exomes below 0.00001; TOPMed below 0.00001.
gnomAD v4.1: 1 of 1,614,226 alleles (0.000062%); highest among the groups gnomAD compares: Admixed American, 0.0017%; no homozygotes.

Submission:

Labcorp Genetics (formerly Invitae), Labcorp
Classification: Uncertain significance for Familial hemophagocytic lymphohistiocytosis 5. Last evaluated: 2021-09-01. Review status: criteria provided, single submitter. Criteria: Invitae Variant Classification Sherloc (09022015). Collection method: clinical testing. Allele origin: germline.
Comment: This sequence change replaces glycine with arginine at codon 119 of the STXBP2 protein (p.Gly119Arg). The glycine residue is moderately conserved and there is a moderate physicochemical difference between glycine and arginine. This variant is not present in population databases (ExAC no frequency). This variant has not been reported in the literature in individuals affected with STXBP2-related conditions. Algorithms developed to predict the effect of missense changes on protein structure and function are either unavailable or do not agree on the potential impact of this missense change (SIFT: "Tolerated"; PolyPhen-2: "Possibly Damaging"; Align-GVGD: "Class C0"). In summary, the available evidence is currently insufficient to determine the role of this variant in disease. Therefore, it has been classified as a Variant of Uncertain Significance.